The following is an entry in ClinVar:

NM_130811.4(SNAP25):c.57C>A (p.Asp19Glu)

Gene: SNAP25 (synaptosome associated protein 25; plus strand). Cytogenetic location: 20p12.2.
Variant type: single nucleotide variant.
Coding change: c.57C>A on transcript NM_130811.4 (MANE Select); coding-DNA position 57, C replaced by A.
Protein change: p.Asp19Glu; replaces aspartic acid 19 with glutamic acid.
Molecular consequence: missense variant.
Genome position (GRCh38, 1-based): chr20:10,275,548, C>A. VCF-style: chr20-10275548-C-A. GRCh37 (hg19) VCF-style: chr20-10256196-C-A.
Other names: c.57C>A, p.Asp19Glu (NM_001322902.2, NM_001322903.2, NM_001322904.2 and 7 more transcripts); short protein forms D19E.
Identifiers: ClinVar variation 2012591 (VCV002012591.4), dbSNP rs765993629, ClinGen allele CA9763244.

ClinVar aggregate classification (germline): Uncertain significance (1 of 4 stars; one submission).

Conditions:
Congenital myasthenic syndrome 18. Also called: MYASTHENIC SYNDROME, CONGENITAL, 18, WITH INTELLECTUAL DISABILITY AND ATAXIA. Identifiers: Orphanet 590, MedGen C4225364, MONDO:0014590, OMIM 616330.

Allele frequency attached by ClinVar (database versions not stated): ExAC 0.00001.
gnomAD v4.1: 1 of 1,600,368 alleles (0.000062%); highest among the groups gnomAD compares: Non-Finnish European, 0.000085%; no homozygotes.

Submission:

Labcorp Genetics (formerly Invitae), Labcorp
Classification: Uncertain significance for Congenital myasthenic syndrome 18. Last evaluated: 2022-06-30. Review status: criteria provided, single submitter. Criteria: Invitae Variant Classification Sherloc (09022015). Collection method: clinical testing. Allele origin: germline.
Comment: This variant has not been reported in the literature in individuals affected with SNAP25-related conditions. In summary, the available evidence is currently insufficient to determine the role of this variant in disease. Therefore, it has been classified as a Variant of Uncertain Significance. Algorithms developed to predict the effect of missense changes on protein structure and function are either unavailable or do not agree on the potential impact of this missense change (SIFT: "Tolerated"; PolyPhen-2: "Possibly Damaging"; Align-GVGD: "Class C0"). The frequency data for this variant in the population databases is considered unreliable, as metrics indicate poor data quality at this position in the gnomAD database. This sequence change replaces aspartic acid, which is acidic and polar, with glutamic acid, which is acidic and polar, at codon 19 of the SNAP25 protein (p.Asp19Glu).